The following is an entry in ClinVar:

ClinVar aggregate classification (germline): Uncertain significance. Review status: criteria provided, multiple submitters, no conflicts (2 of 4 stars). 3 submissions from 3 submitters: Uncertain significance (3). Last evaluated 2025-08-04.

Conditions:
Inborn genetic diseases. Identifiers: MedGen C0950123, MeSH D030342.
Developmental and epileptic encephalopathy. Identifiers: MedGen C5779964, MONDO:0100620.
Developmental and epileptic encephalopathy, 1 (DEE1). Also called: Tonic spasms with clustering, arrest of psychomotor development and hypsarrhythmia on EEG; X-Linked Infantile Spasm Syndrome; X-linked infantile spasms; West's syndrome; OHTAHARA SYNDROME, X-LINKED; INFANTILE SPASM SYNDROME, X-LINKED 1. Identifiers: MedGen C3463992, MONDO:0010632, OMIM 308350. Disease mechanism: loss of function.

Allele frequency attached by ClinVar (database versions not stated): gnomAD exomes 0.00002; TOPMed 0.00002; gnomAD 0.00004 and 0.00002; ExAC 0.00005.
gnomAD v4.1: 41 of 1,597,876 alleles (0.0026%); highest among the groups gnomAD compares: Middle Eastern, 0.02%; no homozygotes.

Submissions (3):

Ambry Genetics
Classification: Uncertain significance for Inborn genetic diseases. Last evaluated: 2025-08-04. Review status: criteria provided, single submitter. Criteria: Ambry Variant Classification Scheme 2023. Collection method: clinical testing. Allele origin: germline.

Labcorp Genetics (formerly Invitae), Labcorp
Classification: Uncertain significance for Early-infantile DEE. Last evaluated: 2023-10-03. Review status: criteria provided, single submitter. Criteria: Invitae Variant Classification Sherloc (09022015). Collection method: clinical testing. Allele origin: germline.
Comment: This sequence change replaces arginine, which is basic and polar, with cysteine, which is neutral and slightly polar, at codon 44 of the SLC25A22 protein (p.Arg44Cys). The frequency data for this variant in the population databases is considered unreliable, as metrics indicate poor data quality at this position in the gnomAD database. This variant has not been reported in the literature in individuals affected with SLC25A22-related conditions. ClinVar contains an entry for this variant (Variation ID: 207160). Advanced modeling of protein sequence and biophysical properties (such as structural, functional, and spatial information, amino acid conservation, physicochemical variation, residue mobility, and thermodynamic stability) performed at Invitae indicates that this missense variant is not expected to disrupt SLC25A22 protein function. Algorithms developed to predict the effect of sequence changes on RNA splicing suggest that this variant may create or strengthen a splice site. In summary, the available evidence is currently insufficient to determine the role of this variant in disease. Therefore, it has been classified as a Variant of Uncertain Significance.

GeneDx
Classification: Uncertain significance. Last evaluated: 2012-06-12. Review status: criteria provided, single submitter. Criteria: GeneDx Variant Classification (06012015). Collection method: clinical testing. Allele origin: germline. Affected: yes.
Comment: p.Arg44Cys (CGC>TGC): c.130 C>T in exon 3 of the SLC25A22 gene (NM_024698.4). The Arg44Cys missense change has not been published as a mutation, nor has it been reported as a benign polymorphism to our knowledge. The NHLBI ESP Exome Variant Project has not identified Arg24Cys in approximately 5,000 individuals of European or African American ethnicity, indicating that it is not a common benign variant in these populations. The amino acid substitution is non-conservative, as a positively charged Arginine residue is replaced by a neutral Cysteine residue, which could also affect formation of disulfide bonds. Arg44Cys alters a position that is highly conserved across species and in related proteins, and multiple in silico algorithms predict it may be damaging to protein structure/function. Therefore, based on the currently available information, it is unclear whether Arg44Cys is a disease-causing mutation or a rare benign variant. The variant is found in INFANT-EPI panel(s).

NM_001191061.2(SLC25A22):c.130C>T (p.Arg44Cys)

Gene: SLC25A22 (solute carrier family 25 member 22; minus strand). Cytogenetic location: 11p15.5.
Variant type: single nucleotide variant.
Coding change: c.130C>T on transcript NM_001191061.2 (MANE Select); coding-DNA position 130, C replaced by T.
Protein change: p.Arg44Cys; replaces arginine 44 with cysteine.
Molecular consequence: missense variant.
Genome position (GRCh38, 1-based): chr11:794,792, G>A on the plus strand (C>T on the coding strand, the complement: SLC25A22 is on the minus strand). VCF-style: chr11-794792-G-A. GRCh37 (hg19) VCF-style: chr11-794792-G-A.
Other names: p.R44C:CGC>TGC; c.130C>T, p.Arg44Cys (NM_001191060.2, NM_024698.6); short protein forms R44C.
Identifiers: ClinVar variation 207160 (VCV000207160.9), dbSNP rs576145791, ClinGen allele CA318360.